The following is an entry in ClinVar:

NM_001161748.2(LIM2):c.130C>T (p.Arg44Trp)

Genes: LIM2 (lens intrinsic membrane protein 2; minus strand), LIM2-AS1 (LIM2 and SIGLEC10 antisense RNA 1; plus strand). Cytogenetic location: 19q13.41.
Variant type: single nucleotide variant.
Coding change: c.130C>T on transcript NM_001161748.2 (MANE Select); coding-DNA position 130, C replaced by T.
Protein change: p.Arg44Trp; replaces arginine 44 with tryptophan.
Molecular consequence: missense variant.
Genome position (GRCh38, 1-based): chr19:51,387,314, G>A on the plus strand (C>T on the coding strand, the complement: LIM2 is on the minus strand). VCF-style: chr19-51387314-G-A. GRCh37 (hg19) VCF-style: chr19-51890568-G-A.
Other names: c.130C>T, p.Arg44Trp (NM_030657.4); short protein forms R44W.
Identifiers: ClinVar variation 2459542 (VCV002459542.3), dbSNP rs374509682, ClinGen allele CA9611624.
Genomic context (GRCh38, chr19:51,387,314, plus strand): 5'-GGCCGGGGGGCTCACCGATGCTGTCTGTCTGCAGGTAGCACTTGTTGCCCAGGCAGTACC[G>A]CCACAGGCCCTGGTGGGCGAAGGACCCTGACAGCCGGTACTGCATCCAGTGGTCTGTTGC-3'
Protein context (NP_001155220.1, residues 34-54): SGSFAHQGLW[Arg44Trp]YCLGNKCYLQ

ClinVar aggregate classification (germline): Uncertain significance. Review status: criteria provided, multiple submitters, no conflicts (2 of 4 stars). 2 submissions from 2 submitters: Uncertain significance (2). Last evaluated 2025-03-29.

Conditions:
Inborn genetic diseases. Identifiers: MedGen C0950123, MeSH D030342.
Cataract 19 multiple types. Also called: CATARACT 19, CORTICAL PULVERULENT; CATARACT 19, CONGENITAL TOTAL. Identifiers: Orphanet 91492, MedGen C3809004, MONDO:0014111, OMIM 615277.

Allele frequency attached by ClinVar (database versions not stated): TOPMed 0.00001; gnomAD 0.00003; ESP Exome Variant Server 0.00008.
gnomAD v4.1: 77 of 1,614,016 alleles (0.0048%); highest among the groups gnomAD compares: South Asian, 0.0088%; no homozygotes.

Submissions (2):

Labcorp Genetics (formerly Invitae), Labcorp
Classification: Uncertain significance for Cataract 19 multiple types. Last evaluated: 2025-03-29. Review status: criteria provided, single submitter. Criteria: Invitae Variant Classification Sherloc (09022015). Collection method: clinical testing. Allele origin: germline.
Comment: This sequence change replaces arginine, which is basic and polar, with tryptophan, which is neutral and slightly polar, at codon 44 of the LIM2 protein (p.Arg44Trp). This variant is present in population databases (rs374509682, gnomAD 0.01%). This variant has not been reported in the literature in individuals affected with LIM2-related conditions. ClinVar contains an entry for this variant (Variation ID: 2459542). An algorithm developed to predict the effect of missense changes on protein structure and function (PolyPhen-2) suggests that this variant is likely to be disruptive. In summary, the available evidence is currently insufficient to determine the role of this variant in disease. Therefore, it has been classified as a Variant of Uncertain Significance.

Ambry Genetics
Classification: Uncertain significance for Inborn genetic diseases. Last evaluated: 2023-03-13. Review status: criteria provided, single submitter. Criteria: Ambry Variant Classification Scheme 2023. Collection method: clinical testing. Allele origin: germline.